The following is an entry in ClinVar:

ClinVar aggregate classification (germline): Uncertain significance (1 of 4 stars; one submission).

Conditions:
Epidermolysis bullosa simplex 3, localized or generalized intermediate, with BP230 deficiency (EBS3). Also called: Epidermolysis bullosa simplex, autosomal recessive 2; Epidermolysis bullosa simplex due to BP230 deficiency. Identifiers: Orphanet 412181, MedGen C3809470, MONDO:0014180, OMIM 615425.
Hereditary sensory and autonomic neuropathy type 6. Also called: Neuropathy, hereditary sensory and autonomic, type VI; HSAN VI. Identifiers: Orphanet 314381, MedGen C3539003, MONDO:0013839, OMIM 614653.

Allele frequency attached by ClinVar (database versions not stated): gnomAD exomes below 0.00001 and 0.00001; gnomAD 0.00001; TOPMed 0.00001.
gnomAD v4.1: 8 of 1,613,160 alleles (0.0005%); highest among the groups gnomAD compares: Non-Finnish European, 0.00068%; no homozygotes.

Submission:

Labcorp Genetics (formerly Invitae), Labcorp
Classification: Uncertain significance for Epidermolysis bullosa simplex 3, localized or generalized intermediate, with BP230 deficiency; Hereditary sensory and autonomic neuropathy type 6. Last evaluated: 2022-07-06. Review status: criteria provided, single submitter. Criteria: Invitae Variant Classification Sherloc (09022015). Collection method: clinical testing. Allele origin: germline.
Comment: This sequence change replaces tryptophan, which is neutral and slightly polar, with serine, which is neutral and polar, at codon 5019 of the DST protein (p.Trp5019Ser). The DST gene has multiple clinically relevant transcripts. The variant occurs in alternate transcript NM_015548.4 and corresponds to NM_001723.5:c.*152398G>C in the primary transcript. This variant is present in population databases (no rsID available, gnomAD 0.0009%). This variant has not been reported in the literature in individuals affected with DST-related conditions. In summary, the available evidence is currently insufficient to determine the role of this variant in disease. Therefore, it has been classified as a Variant of Uncertain Significance.

NM_001374736.1(DST):c.22997G>C (p.Trp7666Ser)

Gene: DST (dystonin; minus strand). Cytogenetic location: 6p12.1.
Variant type: single nucleotide variant.
Coding change: c.22997G>C on transcript NM_001374736.1 (MANE Select); coding-DNA position 22997, G replaced by C.
Protein change: p.Trp7666Ser; replaces tryptophan 7666 with serine.
Molecular consequence: missense variant. On other transcripts: intron variant (2).
Genome position (GRCh38, 1-based): chr6:56,463,119, C>G on the plus strand (G>C on the coding strand, the complement: DST is on the minus strand). VCF-style: chr6-56463119-C-G. GRCh37 (hg19) VCF-style: chr6-56327917-C-G.
Other names: c.16568G>C, p.Trp5523Ser (NM_001144769.5); c.16154G>C, p.Trp5385Ser (NM_001144770.2); c.22925G>C, p.Trp7642Ser (NM_001374722.1); c.22952G>C, p.Trp7651Ser (NM_001374734.1); c.15056G>C, p.Trp5019Ser (NM_015548.5); c.16034G>C, p.Trp5345Ser (NM_183380.4); c.15741+446G>C (NM_001374730.1); c.21999+446G>C (NM_001374729.1); short protein forms W5345S, W5019S, W5385S, W7651S, W5523S, W7642S, W7666S.
Identifiers: ClinVar variation 964751 (VCV000964751.10), dbSNP rs1035396080, ClinGen allele CA139164524.